The following continues an entry in ClinVar:

NM_000257.4(MYH7):c.1987C>T (p.Arg663Cys)

Gene: MYH7. ClinVar aggregate classification (germline): Pathogenic/Likely pathogenic. Pathogenic (15); Likely pathogenic (3).

Submissions 8 to 22 of 22:

All of Us Research Program, National Institutes of Health
Classification: Likely pathogenic for Hypertrophic cardiomyopathy. Last evaluated: 2023-10-30. Review status: criteria provided, single submitter. Criteria: ACMG Guidelines, 2015. Collection method: clinical testing. Allele origin: germline. Inheritance: Autosomal dominant inheritance. Observed: 1 variant allele, 1 heterozygote.
Comment: This missense variant replaces arginine with cysteine at codon 663 in the myosin head/motor (S1) domain of the MYH7 protein. Computational prediction suggests that this variant may have deleterious impact on protein structure and function (internally defined REVEL score threshold >= 0.7, PMID: 27666373). This variant is found within a highly conserved region of the myosin head domain. Missense variants in this region have been shown to be significantly overrepresented in individuals with hypertrophic cardiomyopathy (PMID: 27532257). To our knowledge, functional studies have not been reported for this variant. This variant has been reported in more than 15 unrelated individuals affected with hypertrophic cardiomyopathy (PMID: 15358028, 15563892, 15858117, 18533079, 20350521, 23674513, 27532257, 31568572). A different variant occurring at the same codon, p.Arg663His, is a well documented pathogenic mutation (Clinvar variation ID: 42875), indicating that arginine at this position is important for MYH7 protein function. This variant has not been identified in the general population by the Genome Aggregation Database (gnomAD). Based on the available evidence, this variant is classified as Likely Pathogenic.

This study involves interpretation of variants in research participants for the purpose of population health screening. Participant phenotype was not available at the time of variant classification. Additional details can be found in publication PMID: 35346344, PMCID: PMC8962531

GeneDx
Classification: Pathogenic. Last evaluated: 2023-10-12. Review status: criteria provided, single submitter. Criteria: GeneDx Variant Classification Process June 2021. Collection method: clinical testing. Allele origin: germline. Affected: yes.
Comment: Not observed at significant frequency in large population cohorts (gnomAD); In silico analysis, which includes protein predictors and evolutionary conservation, supports a deleterious effect; This variant is associated with the following publications: (PMID: 21835320, 23690394, 27532257, 20800588, 30847666, 18383048, 23674513, 25714468, 25228707, 25351510, 23785128, 27247418, 15858117, 20350521, 23283745, 23233322, 25524337, 21799269, 15563892, 28606303, 27590665, 29497013, 29030401, 28193612, 29661763, 29743414, 27082122, 21310275, 22112859, 30775854, 32344918, 15358028, 32894683, 35653365, 35626289, 33673806, 32830170, 29300372)

3billion
Classification: Pathogenic for Hypertrophic cardiomyopathy 1. Last evaluated: 2023-08-11. Review status: criteria provided, single submitter. Criteria: ACMG Guidelines, 2015. Collection method: clinical testing. Allele origin: germline. Affected: yes.
Comment: The variant is not observed in the gnomAD v2.1.1 dataset. Predicted Consequence/Location: The variant is located in a mutational hot spot and/or well-established functional domain in which established pathogenic variants have been reported (PMID: 29300372). In silico tool predictions suggest damaging effect of the variant on gene or gene product [REVEL: 0.82 (>=0.6, sensitivity 0.68 and specificity 0.92); 3Cnet: 0.91 (>=0.6, sensitivity 0.72 and precision 0.9)]. Same nucleotide change resulting in same amino acid change has been previously reported as pathogenic/likely pathogenic with strong evidence (ClinVar ID: VCV000042874 /PMID: 15358028). Different missense changes at the same codon (p.Arg663His, p.Arg663Ser) have been reported as pathogenic/likely pathogenic with strong evidence (ClinVar ID: VCV000042875, VCV000930519 /PMID: 10750581, 12707239 /3billion dataset). Therefore, this variant is classified as Pathogenic according to the recommendation of ACMG/AMP guideline.

CHEO Genetics Diagnostic Laboratory, Children's Hospital of Eastern Ontario
Classification: Pathogenic for Cardiomyopathy. Last evaluated: 2023-03-15. Review status: criteria provided, single submitter. Criteria: ACMG Guidelines, 2015. Collection method: clinical testing. Allele origin: germline.

Genetics and Molecular Pathology, SA Pathology
Classification: Pathogenic for Hypertrophic cardiomyopathy. Last evaluated: 2023-01-16. Review status: criteria provided, single submitter. Criteria: ACMG Guidelines, 2015. Collection method: clinical testing. Allele origin: germline. Affected: yes.
Comment: The MYH7 c.1987C>T variant is classified as Pathogenic (PS4, PM1, PM2, PP1_Moderate, PP3.) The MYH7 c.1987C>T variant is a single nucleotide change in exon 18/40 of the MYH7 gene, which is predicted to change the amino acid arginine at position 663 in the protein, to cysteine. This amino acid is within the conserved functional domain of the MYH7 protein where variation is expected to be disease causing (PM1). The variant has been reported in excess of 20 probands with a clinical presentation of Hypertrophic Cardiomyopathy (PMID#15358028, 33673806, 32344918, 30775854, 32894683, 35626289) (PS4) and is absent from population databases (PM2). This variant has been reported to segregate with disease (PMID #15563892, our cohort and SHaRE) (PP1_moderate). Computational predictions support a deleterious effect on the gene or gene product (PP3). The variant has been reported in dbSNP (rs397516127) is reported as disease causing in the HGMD database (CM973126) and is reported as pathogenic by multiple other diagnostic laboratories (ClinVar #42874).

Color Diagnostics, LLC DBA Color Health
Classification: Likely pathogenic for Cardiomyopathy. Last evaluated: 2022-09-06. Review status: criteria provided, single submitter. Criteria: ACMG Guidelines, 2015. Collection method: clinical testing. Allele origin: germline.
Comment: This missense variant replaces arginine with cysteine at codon 663 in the myosin head/motor (S1) domain of the MYH7 protein. Computational prediction suggests that this variant may have deleterious impact on protein structure and function (internally defined REVEL score threshold >= 0.7, PMID: 27666373). This variant is found within a highly conserved region of the myosin head domain. Missense variants in this region have been shown to be significantly overrepresented in individuals with hypertrophic cardiomyopathy (PMID: 27532257). To our knowledge, functional studies have not been reported for this variant. This variant has been reported in more than 15 unrelated individuals affected with hypertrophic cardiomyopathy (PMID: 15358028, 15563892, 15858117, 18533079, 20350521, 23674513, 27532257, 31568572). A different variant occurring at the same codon, p.Arg663His, is a well documented pathogenic mutation (Clinvar variation ID: 42875), indicating that arginine at this position is important for MYH7 protein function. This variant has not been identified in the general population by the Genome Aggregation Database (gnomAD). Based on the available evidence, this variant is classified as Likely Pathogenic.

CeGaT Center for Human Genetics Tuebingen
Classification: Pathogenic. Last evaluated: 2022-08-01. Review status: criteria provided, single submitter. Criteria: CeGaT Center For Human Genetics Tuebingen Variant Classification Criteria Version 2. Collection method: clinical testing. Allele origin: germline. Affected: yes. Observed: 1 variant allele.
Comment: MYH7: PS4, PM2, PM5, PP2, PP3

Revvity Omics, Revvity
Classification: Pathogenic. Last evaluated: 2022-04-28. Review status: criteria provided, single submitter. Criteria: ACMG Guidelines, 2015. Collection method: clinical testing. Allele origin: germline.

Klaassen Lab, Charite University Medicine Berlin
Classification: Pathogenic for Primary familial hypertrophic cardiomyopathy. Last evaluated: 2019-07-03. Review status: criteria provided, single submitter. Criteria: ACMG Guidelines, 2015. Collection method: research. Allele origin: germline. Affected: yes.

Laboratory for Molecular Medicine, Mass General Brigham Personalized Medicine
Classification: Pathogenic for Hypertrophic cardiomyopathy. Last evaluated: 2019-06-26. Review status: criteria provided, single submitter. Criteria: LMM Criteria. Collection method: clinical testing. Allele origin: germline. Inheritance: Autosomal dominant inheritance. Observed: 20 variant alleles.
Comment: proposed classification - variant undergoing re-assessment, contact laboratory

Stanford Center for Inherited Cardiovascular Disease, Stanford University
Classification: Pathogenic. Last evaluated: 2016-11-04. Review status: criteria provided, single submitter. Criteria: ACMG Guidelines, 2015. Collection method: provider interpretation. Allele origin: germline.

Clinical Genetics DNA and cytogenetics Diagnostics Lab, Erasmus MC, Erasmus Medical Center
Classification: Pathogenic. Review status: no assertion criteria provided. Collection method: clinical testing. Allele origin: germline. Affected: yes. Study: VKGL Data-share Consensus. Not counted in ClinVar's aggregate classification.

Clinical Genetics, Academic Medical Center
Classification: Pathogenic. Review status: no assertion criteria provided. Collection method: clinical testing. Allele origin: germline. Affected: yes. Study: VKGL Data-share Consensus. Not counted in ClinVar's aggregate classification.

Diagnostic Laboratory, Department of Genetics, University Medical Center Groningen
Classification: Pathogenic. Review status: no assertion criteria provided. Collection method: clinical testing. Allele origin: germline. Affected: yes. Study: VKGL Data-share Consensus. Not counted in ClinVar's aggregate classification.

Joint Genome Diagnostic Labs from Nijmegen and Maastricht, Radboudumc and MUMC+
Classification: Pathogenic. Review status: no assertion criteria provided. Collection method: clinical testing. Allele origin: germline. Affected: yes. Study: VKGL Data-share Consensus. Not counted in ClinVar's aggregate classification.

Literature cited by the submitters: PubMed 15358028 (cited by 7 submitters); PubMed 15563892 (cited by 5 submitters); PubMed 15858117 (cited by 5 submitters); PubMed 18383048 (cited by 3 submitters); PubMed 20800588 (cited by Labcorp Genetics (formerly Invitae), Labcorp); PubMed 22112859 (cited by Labcorp Genetics (formerly Invitae), Labcorp); PubMed 23233322 (cited by 3 submitters); PubMed 23283745 (cited by Labcorp Genetics (formerly Invitae), Labcorp and Laboratory for Molecular Medicine, Mass General Brigham Personalized Medicine); PubMed 23690394 (cited by Labcorp Genetics (formerly Invitae), Labcorp); PubMed 10750581 (cited by 4 submitters); PubMed 11133230 (cited by Labcorp Genetics (formerly Invitae), Labcorp); PubMed 12707239 (cited by Ambry Genetics and Laboratory for Molecular Medicine, Mass General Brigham Personalized Medicine); PubMed 27082122 (cited by Ambry Genetics and Laboratory for Molecular Medicine, Mass General Brigham Personalized Medicine); PubMed 27532257 (cited by 3 submitters); PubMed 30775854 (cited by Ambry Genetics and Genetics and Molecular Pathology, SA Pathology); PubMed 18533079 (cited by 3 submitters); PubMed 20350521 (cited by 3 submitters); PubMed 23674513 (cited by 3 submitters); PubMed 31568572 (cited by 3 submitters); PubMed 29300372 (cited by 3billion); PubMed 32344918 (cited by Genetics and Molecular Pathology, SA Pathology); PubMed 32894683 (cited by Genetics and Molecular Pathology, SA Pathology); PubMed 33673806 (cited by Genetics and Molecular Pathology, SA Pathology); PubMed 35626289 (cited by Genetics and Molecular Pathology, SA Pathology); PubMed 31333075 (cited by Klaassen Lab, Charite University Medicine Berlin); PubMed 25524337 (cited by Laboratory for Molecular Medicine, Mass General Brigham Personalized Medicine); PubMed 23290139 (cited by Laboratory for Molecular Medicine, Mass General Brigham Personalized Medicine); PubMed 23785128 (cited by Laboratory for Molecular Medicine, Mass General Brigham Personalized Medicine); PubMed 25714468 (cited by Laboratory for Molecular Medicine, Mass General Brigham Personalized Medicine).